The following is an entry in ClinVar:

NM_006440.5(TXNRD2):c.631A>G (p.Ile211Val)

Gene: TXNRD2 (thioredoxin reductase 2; minus strand). Cytogenetic location: 22q11.21.
Variant type: single nucleotide variant.
Coding change: c.631A>G on transcript NM_006440.5 (MANE Select); coding-DNA position 631, A replaced by G.
Protein change: p.Ile211Val; replaces isoleucine 211 with valine.
Molecular consequence: missense variant. On other transcripts: non-coding transcript variant (1).
Genome position (GRCh38, 1-based): chr22:19,911,408, T>C on the plus strand (A>G on the coding strand, the complement: TXNRD2 is on the minus strand). VCF-style: chr22-19911408-T-C. GRCh37 (hg19) VCF-style: chr22-19898931-T-C.
Other names: c.631A>G, p.Ile211Val (NM_001282512.3); c.628A>G, p.Ile210Val (NM_001352300.2); c.541A>G, p.Ile181Val (NM_001352301.2); c.343A>G, p.Ile115Val (NM_001352302.2); c.535A>G, p.Ile179Val (NM_001352303.2); short protein forms I181V, I179V, I210V, I115V, I211V.
Identifiers: ClinVar variation 2050310 (VCV002050310.4), dbSNP rs1395904348, ClinGen allele CA410691259.

ClinVar aggregate classification (germline): Uncertain significance (1 of 4 stars; one submission).

Conditions:
Primary dilated cardiomyopathy (DCM). Also called: Dilated Cardiomyopathy. Identifiers: Orphanet 217604, MedGen C0007193, MeSH D002311, MONDO:0005021, HP:0001644. Inheritance: Various modes of inheritance.

Allele frequency attached by ClinVar (database versions not stated): gnomAD exomes 0.00001; gnomAD 0.00001.
gnomAD v4.1: 7 of 1,614,024 alleles (0.00043%); highest among the groups gnomAD compares: South Asian, 0.0066%; no homozygotes.

Submission:

Labcorp Genetics (formerly Invitae), Labcorp
Classification: Uncertain significance for Primary dilated cardiomyopathy. Last evaluated: 2022-08-22. Review status: criteria provided, single submitter. Criteria: Invitae Variant Classification Sherloc (09022015). Collection method: clinical testing. Allele origin: germline.
Comment: This sequence change replaces isoleucine, which is neutral and non-polar, with valine, which is neutral and non-polar, at codon 211 of the TXNRD2 protein (p.Ile211Val). This variant is present in population databases (no rsID available, gnomAD 0.006%). This variant has not been reported in the literature in individuals affected with TXNRD2-related conditions. Algorithms developed to predict the effect of missense changes on protein structure and function (SIFT, PolyPhen-2, Align-GVGD) all suggest that this variant is likely to be tolerated. In summary, the available evidence is currently insufficient to determine the role of this variant in disease. Therefore, it has been classified as a Variant of Uncertain Significance.